The following is an entry in ClinVar:

NM_000203.5(IDUA):c.590-8C>T

Gene: IDUA (alpha-L-iduronidase; plus strand). Cytogenetic location: 4p16.3.
Variant type: single nucleotide variant.
Coding change: c.590-8C>T on transcript NM_000203.5 (MANE Select); 8 bases into the intron before coding-DNA position 590, C replaced by T.
Molecular consequence: intron variant.
Genome position (GRCh38, 1-based): chr4:1,001,671, C>T. VCF-style: chr4-1001671-C-T. GRCh37 (hg19) VCF-style: chr4-995459-C-T.
Other names: c.194-8C>T (NM_001363576.1).
Identifiers: ClinVar variation 92646 (VCV000092646.35), dbSNP rs6848974, ClinGen allele CA145887.

ClinVar aggregate classification (germline): Benign. Review status: reviewed by expert panel (3 of 4 stars). 17 submissions from 15 submitters: Benign (1). 16 of the submissions do not count toward it. Last evaluated 2024-12-06.

Conditions:
Mucopolysaccharidosis, MPS-I-H/S. Also called: Mucopolysaccharidosis type IH/S. Identifiers: Orphanet 93476, MedGen C0086431, MONDO:0011759, OMIM 607015.
Hurler syndrome. Also called: Gargoylism, Hurler Syndrome; MUCOPOLYSACCHARIDOSIS TYPE IH; Severe MPS I (Hurler Syndrome). Identifiers: Orphanet 93473, MedGen C0086795, MONDO:0011758, OMIM 607014.
Mucopolysaccharidosis, MPS-I-S. Also called: Scheie Syndrome; MPS V; MUCOPOLYSACCHARIDOSIS TYPE V; MUCOPOLYSACCHARIDOSIS TYPE IS. Identifiers: Orphanet 93474, MedGen C0026708, MONDO:0011760, OMIM 607016.
Mucopolysaccharidosis type 1. Also called: IDUA deficiency; MPS I; Mucopolysaccharidosis Type I. Identifiers: Orphanet 579, MedGen C0023786, MONDO:0001586.

Allele frequency attached by ClinVar (database versions not stated): TOPMed 0.17001; ESP Exome Variant Server 0.17283; 1000 Genomes Project 30x 0.21580; 1000 Genomes Project 0.21845.
gnomAD v4.1: 261,881 of 1,601,222 alleles (16%); highest among the groups gnomAD compares: South Asian, 30%; 23,092 homozygotes.

Submissions (17):

ClinGen Lysosomal Storage Disorder Variant Curation Expert Panel
Classification: Benign for Mucopolysaccharidosis type 1. Last evaluated: 2024-12-06. Review status: reviewed by expert panel. Criteria: ClinGen LSD ACMG Specifications IDUA V1.0.0. Collection method: curation. Allele origin: germline. Inheritance: Autosomal recessive inheritance.
Comment: The NM_000203.5:c.590-8C>T variant is a nucleotide substitution in the acceptor splice site region of intron 5 of IDUA. The highest population minor allele frequency in gnomAD v4.1.0 is 0.2984 (27112/90864 alleles; 4285 homozygotes; Grpmax Filtering AF 95% confidence = 0.2954) in the South Asian population, which is higher than the ClinGen Lysosomal Diseases VCEP’s threshold for BA1 (>0.005), and therefore meets this criterion (BA1). There is a ClinVar entry for this variant (Variation ID: 92646). In summary, this variant meets the criteria to be classified as benign for mucopolysaccharidosis type 1. IDUA-specific ACMG/AMP criteria applied, as specified by the ClinGen Lysosomal Diseases Variant Curation Expert Panel (Specifications Version 1.0.0): BA1. (Classification approved by the ClinGen Lysosomal Diseases Variant Curation Expert Panel on December 6, 2024)

Labcorp Genetics (formerly Invitae), Labcorp
Classification: Benign for Mucopolysaccharidosis type 1. Last evaluated: 2026-02-04. Review status: criteria provided, single submitter. Criteria: Invitae Variant Classification Sherloc (09022015). Collection method: clinical testing. Allele origin: germline. Not counted in ClinVar's aggregate classification.

Blueprint Genetics
Classification: Benign. Last evaluated: 2024-11-26. Review status: criteria provided, single submitter. Criteria: ACMG Guidelines, 2015. Collection method: clinical testing. Allele origin: germline. Not counted in ClinVar's aggregate classification.

Genome-Nilou Lab
Classification: Benign for Hurler syndrome. Last evaluated: 2021-07-10. Review status: criteria provided, single submitter. Criteria: ACMG Guidelines, 2015. Collection method: clinical testing. Allele origin: germline. Affected: no. Not counted in ClinVar's aggregate classification.

Genome-Nilou Lab
Classification: Benign for Mucopolysaccharidosis, MPS-I-H/S. Last evaluated: 2021-07-10. Review status: criteria provided, single submitter. Criteria: ACMG Guidelines, 2015. Collection method: clinical testing. Allele origin: germline. Affected: no. Not counted in ClinVar's aggregate classification.

Genome-Nilou Lab
Classification: Benign for Mucopolysaccharidosis, MPS-I-S. Last evaluated: 2021-07-10. Review status: criteria provided, single submitter. Criteria: ACMG Guidelines, 2015. Collection method: clinical testing. Allele origin: germline. Affected: no. Not counted in ClinVar's aggregate classification.

GeneDx
Classification: Benign. Last evaluated: 2018-07-05. Review status: criteria provided, single submitter. Criteria: GeneDx Variant Classification Process June 2021. Collection method: clinical testing. Allele origin: germline. Affected: yes. Not counted in ClinVar's aggregate classification.

Illumina Laboratory Services, Illumina
Classification: Benign for Mucopolysaccharidosis type 1. Last evaluated: 2018-01-12. Review status: criteria provided, single submitter. Criteria: ICSL Variant Classification Criteria 13 December 2019. Collection method: clinical testing. Allele origin: germline. Not counted in ClinVar's aggregate classification.
Comment: This variant was observed in the ICSL laboratory as part of a predisposition screen in an ostensibly healthy population. It had not been previously curated by ICSL or reported in the Human Gene Mutation Database (HGMD: prior to June 1st, 2018), and was therefore a candidate for classification through an automated scoring system. Utilizing variant allele frequency, disease prevalence and penetrance estimates, and inheritance mode, an automated score was calculated to assess if this variant is too frequent to cause the disease. Based on the score and internal cut-off values, a variant classified as benign is not then subjected to further curation. The score for this variant resulted in a classification of benign for this disease.

Eurofins Ntd Llc (ga)
Classification: Benign. Last evaluated: 2017-11-02. Review status: criteria provided, single submitter. Criteria: EGL Classification Definitions 2015. Collection method: clinical testing. Allele origin: germline. Observed: 38 variant alleles, 32 heterozygotes, 6 homozygotes. Not counted in ClinVar's aggregate classification.

Women's Health and Genetics/Laboratory Corporation of America, LabCorp
Classification: Benign. Last evaluated: 2016-01-15. Review status: criteria provided, single submitter. Criteria: LabCorp Variant Classification Summary - May 2015. Collection method: clinical testing. Allele origin: germline. Not counted in ClinVar's aggregate classification.

Breakthrough Genomics
Classification: Benign. Review status: criteria provided, single submitter. Criteria: ACMG Guidelines, 2015. Collection method: not provided. Allele origin: germline. Inheritance: Autosomal recessive inheritance. Affected: yes. Not counted in ClinVar's aggregate classification.

PreventionGenetics, part of Exact Sciences
Classification: Benign. Review status: criteria provided, single submitter. Criteria: ACMG Guidelines, 2015. Collection method: clinical testing. Allele origin: germline. Not counted in ClinVar's aggregate classification.

Natera, Inc.
Classification: Benign for Mucopolysaccharidosis type I. Last evaluated: 2017-08-08. Review status: no assertion criteria provided. Collection method: clinical testing. Allele origin: germline. Not counted in ClinVar's aggregate classification.

Mayo Clinic Laboratories, Mayo Clinic
Classification: Benign. Last evaluated: 2016-02-02. Review status: no assertion criteria provided. Collection method: clinical testing. Allele origin: unknown. Not counted in ClinVar's aggregate classification.

Clinical Genetics DNA and cytogenetics Diagnostics Lab, Erasmus MC, Erasmus Medical Center
Classification: Benign. Review status: no assertion criteria provided. Collection method: clinical testing. Allele origin: germline. Affected: yes. Study: VKGL Data-share Consensus. Not counted in ClinVar's aggregate classification.

Clinical Genetics, Academic Medical Center
Classification: Benign. Review status: no assertion criteria provided. Collection method: clinical testing. Allele origin: germline. Affected: yes. Study: VKGL Data-share Consensus. Not counted in ClinVar's aggregate classification.

Diagnostic Laboratory, Department of Genetics, University Medical Center Groningen
Classification: Benign. Review status: no assertion criteria provided. Collection method: clinical testing. Allele origin: germline. Affected: yes. Study: VKGL Data-share Consensus. Not counted in ClinVar's aggregate classification.

Literature cited by the submitters: PubMed 21639919 (cited by Women's Health and Genetics/Laboratory Corporation of America, LabCorp).